The following is an entry in ClinVar:

NM_013254.4(TBK1):c.1816G>A (p.Val606Ile)

Gene: TBK1 (TANK binding kinase 1; plus strand). Cytogenetic location: 12q14.2.
Variant type: single nucleotide variant.
Coding change: c.1816G>A on transcript NM_013254.4 (MANE Select); coding-DNA position 1816, G replaced by A.
Protein change: p.Val606Ile; replaces valine 606 with isoleucine.
Molecular consequence: missense variant.
Genome position (GRCh38, 1-based): chr12:64,497,004, G>A. VCF-style: chr12-64497004-G-A. GRCh37 (hg19) VCF-style: chr12-64890784-G-A.
Other names: c.1816G>A (NM_013254.3); short protein forms V606I.
Identifiers: ClinVar variation 1407755 (VCV001407755.7), dbSNP rs2136088188, ClinGen allele CA385605495.

ClinVar aggregate classification (germline): Uncertain significance. Review status: criteria provided, multiple submitters, no conflicts (2 of 4 stars). 2 submissions from 2 submitters: Uncertain significance (2). Last evaluated 2025-11-19.

Conditions:
Frontotemporal dementia and/or amyotrophic lateral sclerosis 4. Also called: FTDALS4. Identifiers: Orphanet 275872, MedGen C4225325, MONDO:0014641, OMIM 616439.
Inborn genetic diseases. Identifiers: MedGen C0950123, MeSH D030342.

Allele frequency attached by ClinVar (database versions not stated): gnomAD exomes below 0.00001.
gnomAD v4.1: 1 of 1,613,212 alleles (0.000062%); highest among the groups gnomAD compares: Admixed American, 0.0017%; no homozygotes.

Submissions (2):

Ambry Genetics
Classification: Uncertain significance for Inborn genetic diseases. Last evaluated: 2025-11-19. Review status: criteria provided, single submitter. Criteria: Ambry Variant Classification Scheme 2023. Collection method: clinical testing. Allele origin: germline.

Labcorp Genetics (formerly Invitae), Labcorp
Classification: Uncertain significance for Frontotemporal dementia and/or amyotrophic lateral sclerosis 4. Last evaluated: 2021-11-07. Review status: criteria provided, single submitter. Criteria: Invitae Variant Classification Sherloc (09022015). Collection method: clinical testing. Allele origin: germline.
Comment: This variant has not been reported in the literature in individuals affected with TBK1-related conditions. This variant is not present in population databases (gnomAD no frequency). This sequence change replaces valine, which is neutral and non-polar, with isoleucine, which is neutral and non-polar, at codon 606 of the TBK1 protein (p.Val606Ile). Advanced modeling of protein sequence and biophysical properties (such as structural, functional, and spatial information, amino acid conservation, physicochemical variation, residue mobility, and thermodynamic stability) performed at Invitae indicates that this missense variant is not expected to disrupt TBK1 protein function. In summary, the available evidence is currently insufficient to determine the role of this variant in disease. Therefore, it has been classified as a Variant of Uncertain Significance.